The following is an entry in ClinVar:

ClinVar aggregate classification (germline): Uncertain significance (1 of 4 stars; one submission).

Conditions:
SEMA3G-related disorder. Also called: SEMA3G-related condition.

Submission:

PreventionGenetics, part of Exact Sciences
Classification: Uncertain significance for SEMA3G-related condition. Last evaluated: 2026-03-11. Review status: criteria provided, single submitter. Criteria: ACMG Guidelines, 2015. Collection method: clinical testing. Allele origin: germline.
Comment: The SEMA3G c.118C>G variant is predicted to result in the amino acid substitution p.Leu40Val. To our knowledge, this variant has not been reported in the literature or in a large population database (gnomAD), indicating this variant is rare. At this time, the clinical significance of this variant is uncertain due to the absence of conclusive functional and genetic evidence.

NM_020163.3(SEMA3G):c.118C>G (p.Leu40Val)

Gene: SEMA3G (semaphorin 3G; minus strand). Cytogenetic location: 3p21.1.
Variant type: single nucleotide variant.
Coding change: c.118C>G on transcript NM_020163.3 (MANE Select); coding-DNA position 118, C replaced by G.
Protein change: p.Leu40Val; replaces leucine 40 with valine.
Molecular consequence: missense variant.
Genome position (GRCh38, 1-based): chr3:52,442,905, G>C on the plus strand (C>G on the coding strand, the complement: SEMA3G is on the minus strand). VCF-style: chr3-52442905-G-C. GRCh37 (hg19) VCF-style: chr3-52476921-G-C.
Other names: short protein forms L40V.
Identifiers: ClinVar variation 4994637 (VCV004994637.1).